The following is an entry in ClinVar:

ClinVar aggregate classification (germline): Pathogenic/Likely pathogenic. Review status: criteria provided, multiple submitters, no conflicts (2 of 4 stars). 2 submissions from 2 submitters: Pathogenic (1); Likely pathogenic (1). Last evaluated 2024-09-23.

Conditions:
Mucopolysaccharidosis type 1. Also called: IDUA deficiency; MPS I; Mucopolysaccharidosis Type I. Identifiers: Orphanet 579, MedGen C0023786, MONDO:0001586.

Allele frequency attached by ClinVar (database versions not stated): gnomAD 0.00001.
gnomAD v4.1: 1 of 1,578,372 alleles (0.000063%); highest among the groups gnomAD compares: Admixed American, 0.0019%; no homozygotes.

Submissions (2):

Revvity Omics, Revvity
Classification: Likely pathogenic. Last evaluated: 2024-09-23. Review status: criteria provided, single submitter. Criteria: ACMG Guidelines, 2015. Collection method: clinical testing. Allele origin: germline.

Labcorp Genetics (formerly Invitae), Labcorp
Classification: Pathogenic for Mucopolysaccharidosis type 1. Last evaluated: 2022-12-04. Review status: criteria provided, single submitter. Criteria: Invitae Variant Classification Sherloc (09022015). Collection method: clinical testing. Allele origin: germline.
Comment: For these reasons, this variant has been classified as Pathogenic. This variant disrupts the p.Asp301 amino acid residue in IDUA. Other variant(s) that disrupt this residue have been determined to be pathogenic (PMID: 1386236, 31236806). This suggests that this residue is clinically significant, and that variants that disrupt this residue are likely to be disease-causing. This sequence change replaces aspartic acid, which is acidic and polar, with histidine, which is basic and polar, at codon 301 of the IDUA protein (p.Asp301His). This variant is not present in population databases (gnomAD no frequency). This missense change has been observed in individual(s) with mucopolysaccharidosis type I (PMID: 28728811, 31194252). In at least one individual the data is consistent with being in trans (on the opposite chromosome) from a pathogenic variant. Advanced modeling of protein sequence and biophysical properties (such as structural, functional, and spatial information, amino acid conservation, physicochemical variation, residue mobility, and thermodynamic stability) performed at Invitae indicates that this missense variant is expected to disrupt IDUA protein function.

Literature cited by the submitters: PubMed 1386236 (cited by Labcorp Genetics (formerly Invitae), Labcorp); PubMed 31236806 (cited by Labcorp Genetics (formerly Invitae), Labcorp); PubMed 28728811 (cited by Labcorp Genetics (formerly Invitae), Labcorp); PubMed 31194252 (cited by Labcorp Genetics (formerly Invitae), Labcorp).

NM_000203.5(IDUA):c.901G>C (p.Asp301His)

Gene: IDUA (alpha-L-iduronidase; plus strand). Cytogenetic location: 4p16.3.
Variant type: single nucleotide variant.
Coding change: c.901G>C on transcript NM_000203.5 (MANE Select); coding-DNA position 901, G replaced by C.
Protein change: p.Asp301His; replaces aspartic acid 301 with histidine.
Molecular consequence: missense variant. On other transcripts: non-coding transcript variant (1).
Genome position (GRCh38, 1-based): chr4:1,002,090, G>C. VCF-style: chr4-1002090-G-C. GRCh37 (hg19) VCF-style: chr4-995878-G-C.
Other names: c.505G>C, p.Asp169His (NM_001363576.1); short protein forms D169H, D301H.
Identifiers: ClinVar variation 2792270 (VCV002792270.4), dbSNP rs1715120665, ClinGen allele CA355962523.